The following is an entry in ClinVar:

NM_001005273.3(CHD3):c.5276G>A (p.Arg1759Gln)

Gene: CHD3 (chromodomain helicase DNA binding protein 3; plus strand). Cytogenetic location: 17p13.1.
Variant type: single nucleotide variant.
Coding change: c.5276G>A on transcript NM_001005273.3 (MANE Select); coding-DNA position 5276, G replaced by A.
Protein change: p.Arg1759Gln; replaces arginine 1759 with glutamine.
Molecular consequence: missense variant.
Genome position (GRCh38, 1-based): chr17:7,908,711, G>A. VCF-style: chr17-7908711-G-A. GRCh37 (hg19) VCF-style: chr17-7812029-G-A.
Other names: c.5453G>A, p.Arg1818Gln (NM_001005271.3); c.5174G>A, p.Arg1725Gln (NM_005852.4); short protein forms R1725Q, R1759Q, R1818Q.
Identifiers: ClinVar variation 1708782 (VCV001708782.3), dbSNP rs2545128121, ClinGen allele CA397949260.

ClinVar aggregate classification (germline): Likely pathogenic (1 of 4 stars; one submission).

Submission:

GeneDx
Classification: Likely pathogenic. Last evaluated: 2024-06-03. Review status: criteria provided, single submitter. Criteria: GeneDx Variant Classification Process June 2021. Collection method: clinical testing. Allele origin: germline. Affected: yes.
Comment: Not observed at significant frequency in large population cohorts (gnomAD); In silico analysis supports that this missense variant has a deleterious effect on protein structure/function; This variant is associated with the following publications: (PMID: 35346573)